The following is an entry in ClinVar:

ClinVar aggregate classification (germline): Benign. Review status: criteria provided, multiple submitters, no conflicts (2 of 4 stars). 8 submissions from 8 submitters: Benign (7). 1 of the submissions does not count toward it. Last evaluated 2026-02-04.

Conditions:
Microcephalic osteodysplastic primordial dwarfism type II (MOPD2). Also called: MOPD II; OSTEODYSPLASTIC PRIMORDIAL DWARFISM, TYPE II; Microcephalic osteodysplastic primordial dwarfism with tooth abnormalities. Identifiers: Orphanet 2637, MedGen C0432246, MONDO:0008872, OMIM 210720.

Allele frequency attached by ClinVar (database versions not stated): gnomAD 0.24579 and 0.24817; ESP Exome Variant Server 0.22527; 1000 Genomes Project 30x 0.24469; TOPMed 0.24604; 1000 Genomes Project 0.24960; ExAC 0.28109.
gnomAD v4.1: 446,227 of 1,595,446 alleles (28%); highest among the groups gnomAD compares: East Asian, 40%; 63,931 homozygotes.

Submissions (8):

Labcorp Genetics (formerly Invitae), Labcorp
Classification: Benign. Last evaluated: 2026-02-04. Review status: criteria provided, single submitter. Criteria: Invitae Variant Classification Sherloc (09022015). Collection method: clinical testing. Allele origin: germline.

Blueprint Genetics
Classification: Benign. Last evaluated: 2024-11-28. Review status: criteria provided, single submitter. Criteria: ACMG Guidelines, 2015. Collection method: clinical testing. Allele origin: germline.

Illumina Laboratory Services, Illumina
Classification: Benign for Microcephalic osteodysplastic primordial dwarfism type II. Last evaluated: 2018-01-13. Review status: criteria provided, single submitter. Criteria: ICSL Variant Classification Criteria 13 December 2019. Collection method: clinical testing. Allele origin: germline.
Comment: This variant was observed in the ICSL laboratory as part of a predisposition screen in an ostensibly healthy population. It had not been previously curated by ICSL or reported in the Human Gene Mutation Database (HGMD: prior to June 1st, 2018), and was therefore a candidate for classification through an automated scoring system. Utilizing variant allele frequency, disease prevalence and penetrance estimates, and inheritance mode, an automated score was calculated to assess if this variant is too frequent to cause the disease. Based on the score and internal cut-off values, a variant classified as benign is not then subjected to further curation. The score for this variant resulted in a classification of benign for this disease.

Clinical Genetics DNA and cytogenetics Diagnostics Lab, Erasmus MC, Erasmus Medical Center
Classification: Benign for Microcephalic osteodysplastic primordial dwarfism type II. Last evaluated: 2017-05-31. Review status: criteria provided, single submitter. Criteria: ACGS Guidelines, 2013. Collection method: clinical testing. Allele origin: germline. Affected: yes. Study: VKGL Data-share Consensus.

GeneDx
Classification: Benign. Last evaluated: 2015-03-03. Review status: criteria provided, single submitter. Criteria: GeneDx Variant Classification Process June 2021. Collection method: clinical testing. Allele origin: germline. Affected: yes.

Genetic Services Laboratory, University of Chicago
Classification: Benign. Last evaluated: 2013-02-08. Review status: criteria provided, single submitter. Criteria: ACMG Guidelines, 2007. Collection method: clinical testing. Allele origin: germline. Inheritance: Autosomal recessive inheritance.

Breakthrough Genomics
Classification: Benign. Review status: criteria provided, single submitter. Criteria: ACMG Guidelines, 2015. Collection method: not provided. Allele origin: germline. Inheritance: Autosomal recessive inheritance. Affected: yes.

Diagnostic Laboratory, Department of Genetics, University Medical Center Groningen
Classification: Benign for Microcephalic osteodysplastic primordial dwarfism type II. Review status: no assertion criteria provided. Collection method: clinical testing. Allele origin: germline. Affected: yes. Study: VKGL Data-share Consensus. Not counted in ClinVar's aggregate classification.

NM_006031.6(PCNT):c.6821C>T (p.Pro2274Leu)

Gene: PCNT (pericentrin; plus strand). Cytogenetic location: 21q22.3.
Variant type: single nucleotide variant.
Coding change: c.6821C>T on transcript NM_006031.6 (MANE Select); coding-DNA position 6821, C replaced by T.
Protein change: p.Pro2274Leu; replaces proline 2274 with leucine.
Molecular consequence: missense variant.
Genome position (GRCh38, 1-based): chr21:46,416,739, C>T. VCF-style: chr21-46416739-C-T. GRCh37 (hg19) VCF-style: chr21-47836653-C-T.
Other names: c.6467C>T, p.Pro2156Leu (NM_001315529.2); short protein forms P2274L, P2156L.
Identifiers: ClinVar variation 159642 (VCV000159642.21), dbSNP rs2070425, ClinGen allele CA173061.